The following is an entry in ClinVar:

NM_001322934.2(NFKB2):c.2402G>C (p.Arg801Pro)

Gene: NFKB2 (nuclear factor kappa B subunit 2; plus strand). Cytogenetic location: 10q24.32.
Variant type: single nucleotide variant.
Coding change: c.2402G>C on transcript NM_001322934.2 (MANE Select); coding-DNA position 2402, G replaced by C.
Protein change: p.Arg801Pro; replaces arginine 801 with proline.
Molecular consequence: missense variant.
Genome position (GRCh38, 1-based): chr10:102,401,853, G>C. VCF-style: chr10-102401853-G-C. GRCh37 (hg19) VCF-style: chr10-104161610-G-C.
Other names: c.2402G>C, p.Arg801Pro (NM_001077494.3, NM_001261403.3, NM_001288724.1 and 1 more transcripts); c.2276G>C, p.Arg759Pro (NM_001322935.1); short protein forms R759P, R801P.
Identifiers: ClinVar variation 3372570 (VCV003372570.1).

ClinVar aggregate classification (germline): Uncertain significance (1 of 4 stars; one submission).

Submission:

GeneDx
Classification: Uncertain significance. Last evaluated: 2024-04-18. Review status: criteria provided, single submitter. Criteria: GeneDx Variant Classification Process June 2021. Collection method: clinical testing. Allele origin: germline. Affected: yes.
Comment: Not observed at significant frequency in large population cohorts (gnomAD); In silico analysis indicates that this missense variant does not alter protein structure/function; Has not been previously published as pathogenic or benign to our knowledge